The following is an entry in ClinVar:

NM_006031.6(PCNT):c.9099+1G>A

Gene: PCNT (pericentrin; plus strand). Cytogenetic location: 21q22.3.
Variant type: single nucleotide variant.
Coding change: c.9099+1G>A on transcript NM_006031.6 (MANE Select); the canonical splice donor site of the intron after coding-DNA position 9099, G replaced by A.
Molecular consequence: splice donor variant.
Genome position (GRCh38, 1-based): chr21:46,437,082, G>A. VCF-style: chr21-46437082-G-A. GRCh37 (hg19) VCF-style: chr21-47856995-G-A.
Other names: c.8508+1G>A (NM_001315529.2).
Identifiers: ClinVar variation 2707818 (VCV002707818.3), dbSNP rs2519073881, ClinGen allele CA410576064.

ClinVar aggregate classification (germline): Likely pathogenic (1 of 4 stars; one submission).

Submission:

Labcorp Genetics (formerly Invitae), Labcorp
Classification: Likely pathogenic. Last evaluated: 2024-01-05. Review status: criteria provided, single submitter. Criteria: Invitae Variant Classification Sherloc (09022015). Collection method: clinical testing. Allele origin: germline.
Comment: This sequence change affects a donor splice site in intron 40 of the PCNT gene. It is expected to disrupt RNA splicing. Variants that disrupt the donor or acceptor splice site typically lead to a loss of protein function (PMID: 16199547), and loss-of-function variants in PCNT are known to be pathogenic (PMID: 18174396, 22821869). This variant is not present in population databases (gnomAD no frequency). This variant has not been reported in the literature in individuals affected with PCNT-related conditions. Algorithms developed to predict the effect of sequence changes on RNA splicing suggest that this variant may disrupt the consensus splice site. In summary, the currently available evidence indicates that the variant is pathogenic, but additional data are needed to prove that conclusively. Therefore, this variant has been classified as Likely Pathogenic.

Literature cited by the submitters: PubMed 16199547; PubMed 18174396; PubMed 22821869.